The following is an entry in ClinVar:

ClinVar aggregate classification (germline): Pathogenic (1 of 4 stars; one submission).

Conditions:
Lymphoproliferative syndrome 1 (LPFS1). Identifiers: Orphanet 238505, Orphanet 538963, MedGen C3552634, MONDO:0013081, OMIM 613011.

Submission:

Labcorp Genetics (formerly Invitae), Labcorp
Classification: Pathogenic for Lymphoproliferative syndrome 1. Last evaluated: 2022-07-24. Review status: criteria provided, single submitter. Criteria: Invitae Variant Classification Sherloc (09022015). Collection method: clinical testing. Allele origin: germline.
Comment: This sequence change creates a premature translational stop signal (p.Tyr76*) in the ITK gene. It is expected to result in an absent or disrupted protein product. Loss-of-function variants in ITK are known to be pathogenic (PMID: 16860760, 22289921, 26056787). For these reasons, this variant has been classified as Pathogenic. This variant has not been reported in the literature in individuals affected with ITK-related conditions. This variant is not present in population databases (gnomAD no frequency).

Literature cited by the submitters: PubMed 16860760; PubMed 22289921; PubMed 26056787.

NM_005546.4(ITK):c.228T>A (p.Tyr76Ter)

Gene: ITK (IL2 inducible T cell kinase; plus strand). Cytogenetic location: 5q33.3.
Variant type: single nucleotide variant.
Coding change: c.228T>A on transcript NM_005546.4 (MANE Select); coding-DNA position 228, T replaced by A.
Protein change: p.Tyr76Ter; replaces tyrosine 76 with a stop codon.
Molecular consequence: nonsense.
Genome position (GRCh38, 1-based): chr5:157,208,978, T>A. VCF-style: chr5-157208978-T-A. GRCh37 (hg19) VCF-style: chr5-156635989-T-A.
Other names: short protein forms Y76*.
Identifiers: ClinVar variation 2004689 (VCV002004689.4), dbSNP rs140451238, ClinGen allele CA361948081.
Genomic context (GRCh38, chr5:157,208,978, plus strand): 5'-GCTCTCCCGAATCAAATGTGTTGAGATTGTGAAAAGTGACATCAGCATCCCATGCCACTA[T>A]AAATACCCGTTTCAGGTAAGTCCATCAGGTGGGTAGTTCCCCATTCCCTGGACTGTGGTT-3'